The following is an entry in ClinVar:

NM_014974.3(DIP2C):c.2881G>A (p.Glu961Lys)

Gene: DIP2C (DIP2 acetate--CoA ligase C (putative); minus strand). Cytogenetic location: 10p15.3.
Variant type: single nucleotide variant.
Coding change: c.2881G>A on transcript NM_014974.3 (MANE Select); coding-DNA position 2881, G replaced by A.
Protein change: p.Glu961Lys; replaces glutamic acid 961 with lysine.
Molecular consequence: missense variant.
Genome position (GRCh38, 1-based): chr10:357,851, C>T on the plus strand (G>A on the coding strand, the complement: DIP2C is on the minus strand). VCF-style: chr10-357851-C-T. GRCh37 (hg19) VCF-style: chr10-403791-C-T.
Other names: short protein forms E961K.
Identifiers: ClinVar variation 2373741 (VCV002373741.4), dbSNP rs376371262, ClinGen allele CA201927421.

ClinVar aggregate classification (germline): Uncertain significance. Review status: criteria provided, multiple submitters, no conflicts (2 of 4 stars). 2 submissions from 2 submitters: Uncertain significance (2). Last evaluated 2025-01-20.

Conditions:
Inborn genetic diseases. Identifiers: MedGen C0950123, MeSH D030342.

Allele frequency attached by ClinVar (database versions not stated): gnomAD exomes below 0.00001; TOPMed below 0.00001; gnomAD 0.00001; ESP Exome Variant Server 0.00008.
gnomAD v4.1: 4 of 1,612,406 alleles (0.00025%); highest among the groups gnomAD compares: African/African-American, 0.0013%; no homozygotes.

Submissions (2):

Labcorp Genetics (formerly Invitae), Labcorp
Classification: Uncertain significance. Last evaluated: 2025-01-20. Review status: criteria provided, single submitter. Criteria: Invitae Variant Classification Sherloc (09022015). Collection method: clinical testing. Allele origin: germline.
Comment: This sequence change replaces glutamic acid, which is acidic and polar, with lysine, which is basic and polar, at codon 961 of the DIP2C protein (p.Glu961Lys). This variant is not present in population databases (gnomAD no frequency). This variant has not been reported in the literature in individuals affected with DIP2C-related conditions. ClinVar contains an entry for this variant (Variation ID: 2373741). An algorithm developed to predict the effect of missense changes on protein structure and function (PolyPhen-2) suggests that this variant is likely to be tolerated. In summary, the available evidence is currently insufficient to determine the role of this variant in disease. Therefore, it has been classified as a Variant of Uncertain Significance.

Ambry Genetics
Classification: Uncertain significance for Inborn genetic diseases. Last evaluated: 2022-01-26. Review status: criteria provided, single submitter. Criteria: Ambry Variant Classification Scheme 2023. Collection method: clinical testing. Allele origin: germline.